The following is an entry in ClinVar:

ClinVar aggregate classification (germline): Uncertain significance (1 of 4 stars; one submission).

Submission:

GeneDx
Classification: Uncertain significance. Last evaluated: 2022-04-24. Review status: criteria provided, single submitter. Criteria: GeneDx Variant Classification Process June 2021. Collection method: clinical testing. Allele origin: germline. Affected: yes.
Comment: Not observed at significant frequency in large population cohorts (gnomAD); In silico analysis supports that this missense variant has a deleterious effect on protein structure/function; Has not been previously published as pathogenic or benign to our knowledge

NM_001394062.1(MACF1):c.17667T>A (p.Phe5889Leu)

Gene: MACF1 (microtubule actin crosslinking factor 1; plus strand). Cytogenetic location: 1p34.3.
Variant type: single nucleotide variant.
Coding change: c.17667T>A on transcript NM_001394062.1 (MANE Select); coding-DNA position 17667, T replaced by A.
Protein change: p.Phe5889Leu; replaces phenylalanine 5889 with leucine.
Molecular consequence: missense variant.
Genome position (GRCh38, 1-based): chr1:39,434,515, T>A. VCF-style: chr1-39434515-T-A. GRCh37 (hg19) VCF-style: chr1-39900187-T-A.
Other names: c.5736T>A, p.Phe1912Leu (NM_001397473.1); c.11481T>A, p.Phe3827Leu (NM_012090.5); short protein forms F1912L, F3827L, F5889L.
Identifiers: ClinVar variation 1711902 (VCV001711902.2), dbSNP rs1643930936, ClinGen allele CA339804687.